The following is an entry in ClinVar:

NM_005359.6(SMAD4):c.425-9A>G

Gene: SMAD4 (SMAD family member 4; plus strand). Cytogenetic location: 18q21.2.
Variant type: single nucleotide variant.
Coding change: c.425-9A>G on transcript NM_005359.6 (MANE Select); 9 bases into the intron before coding-DNA position 425, A replaced by G.
Molecular consequence: intron variant.
Genome position (GRCh38, 1-based): chr18:51,049,286, A>G. VCF-style: chr18-51049286-A-G. GRCh37 (hg19) VCF-style: chr18-48575656-A-G.
Identifiers: ClinVar variation 2134379 (VCV002134379.5), dbSNP rs2144407451, ClinGen allele CA645609118.

ClinVar aggregate classification (germline): Pathogenic (1 of 4 stars; one submission).
ClinVar aggregate classification (oncogenicity): Likely oncogenic (1 of 4 stars; one submission).

Conditions:
Juvenile polyposis syndrome (JPS). Identifiers: Orphanet 2929, MedGen C0345893, MONDO:0017380, OMIM 174900.
Neoplasm. Also called: tumor; Neoplasms; Neoplasm (disease). Identifiers: MedGen C0027651, MeSH D009369, MONDO:0005070, HP:0002664.

Submissions (2):

Center for Genomic Medicine, Rigshospitalet, Copenhagen University Hospital
Classification: Likely oncogenic for Neoplasm. Last evaluated: 2025-03-04. Review status: criteria provided, single submitter. Criteria: ClinGen/CGC/VICC Guidelines for Oncogenicity, 2022. Collection method: clinical testing. Allele origin: somatic. Affected: yes.

Labcorp Genetics (formerly Invitae), Labcorp
Classification: Pathogenic for Juvenile polyposis syndrome. Last evaluated: 2023-07-03. Review status: criteria provided, single submitter. Criteria: Invitae Variant Classification Sherloc (09022015). Collection method: clinical testing. Allele origin: germline.
Comment: ClinVar contains an entry for this variant (Variation ID: 2134379). For these reasons, this variant has been classified as Pathogenic. Studies have shown that this variant results in activation of a cryptic splice site and introduces a premature termination codon (Invitae). The resulting mRNA is expected to undergo nonsense-mediated decay. This variant has been observed in individual(s) with clinical features of SMAD4-related conditions (Invitae). In at least one individual the variant was observed to be de novo. This variant is not present in population databases (gnomAD no frequency). This sequence change falls in intron 3 of the SMAD4 gene. It does not directly change the encoded amino acid sequence of the SMAD4 protein. RNA analysis indicates that this variant induces altered splicing and may result in an absent or disrupted protein product.